The following is an entry in ClinVar:

NM_006996.3(SLC19A2):c.1278A>G (p.Val426=)

Gene: SLC19A2 (solute carrier family 19 member 2; minus strand). Cytogenetic location: 1q24.2.
Variant type: single nucleotide variant.
Coding change: c.1278A>G on transcript NM_006996.3 (MANE Select); coding-DNA position 1278, A replaced by G.
Protein change: p.Val426=; no amino-acid change (valine 426 retained).
Molecular consequence: synonymous variant.
Genome position (GRCh38, 1-based): chr1:169,468,198, T>C on the plus strand (A>G on the coding strand, the complement: SLC19A2 is on the minus strand). VCF-style: chr1-169468198-T-C. GRCh37 (hg19) VCF-style: chr1-169437436-T-C.
Other names: c.675A>G, p.Val225= (NM_001319667.1).
Identifiers: ClinVar variation 386282 (VCV000386282.16), dbSNP rs200813632, ClinGen allele CA1232864.

ClinVar aggregate classification (germline): Likely benign. Review status: criteria provided, multiple submitters, no conflicts (2 of 4 stars). 4 submissions from 4 submitters: Likely benign (3). 1 of the submissions does not count toward it. Last evaluated 2026-02-02.

Conditions:
SLC19A2-related disorder. Also called: SLC19A2-related condition.

Allele frequency attached by ClinVar (database versions not stated): gnomAD 0.00024 and 0.00022; gnomAD exomes 0.00002 and 0.00015; 1000 Genomes Project 30x 0.00016; ExAC 0.00016; TOPMed 0.00016; 1000 Genomes Project 0.00020.
gnomAD v4.1: 117 of 1,613,986 alleles (0.0072%); highest among the groups gnomAD compares: East Asian, 0.071%; 2 homozygotes.

Submissions (4):

Labcorp Genetics (formerly Invitae), Labcorp
Classification: Likely benign. Last evaluated: 2026-02-02. Review status: criteria provided, single submitter. Criteria: Invitae Variant Classification Sherloc (09022015). Collection method: clinical testing. Allele origin: germline.

Blueprint Genetics
Classification: Likely benign. Last evaluated: 2024-11-20. Review status: criteria provided, single submitter. Criteria: ACMG Guidelines, 2015. Collection method: clinical testing. Allele origin: germline.

GeneDx
Classification: Likely benign. Last evaluated: 2021-09-11. Review status: criteria provided, single submitter. Criteria: GeneDx Variant Classification Process June 2021. Collection method: clinical testing. Allele origin: germline. Affected: yes.

PreventionGenetics, part of Exact Sciences
Classification: Likely benign for SLC19A2-related condition. Last evaluated: 2023-10-27. Review status: no assertion criteria provided. Collection method: clinical testing. Allele origin: germline. Not counted in ClinVar's aggregate classification.
Comment: This variant is classified as likely benign based on ACMG/AMP sequence variant interpretation guidelines (Richards et al. 2015 PMID: 25741868, with internal and published modifications).